The following is an entry in ClinVar:

NM_014017.4(LAMTOR2):c.321+5G>A

Gene: LAMTOR2 (late endosomal/lysosomal adaptor, MAPK and MTOR activator 2; plus strand). Cytogenetic location: 1q22.
Variant type: single nucleotide variant.
Coding change: c.321+5G>A on transcript NM_014017.4 (MANE Select); 5 bases into the intron after coding-DNA position 321, G replaced by A.
Molecular consequence: intron variant.
Genome position (GRCh38, 1-based): chr1:156,058,072, G>A. VCF-style: chr1-156058072-G-A. GRCh37 (hg19) VCF-style: chr1-156027863-G-A.
Other names: c.232-243G>A (NM_001145264.2).
Identifiers: ClinVar variation 2904927 (VCV002904927.3), dbSNP rs1327935524, ClinGen allele CA526460235.

ClinVar aggregate classification (germline): Uncertain significance (1 of 4 stars; one submission).

Allele frequency attached by ClinVar (database versions not stated): gnomAD 0.00001; TOPMed 0.00001; gnomAD exomes below 0.00001.
gnomAD v4.1: 3 of 1,613,800 alleles (0.00019%); highest among the groups gnomAD compares: Non-Finnish European, 0.00025%; no homozygotes.

Submission:

Labcorp Genetics (formerly Invitae), Labcorp
Classification: Uncertain significance. Last evaluated: 2025-03-10. Review status: criteria provided, single submitter. Criteria: Invitae Variant Classification Sherloc (09022015). Collection method: clinical testing. Allele origin: germline.
Comment: This sequence change falls in intron 3 of the LAMTOR2 gene. It does not directly change the encoded amino acid sequence of the LAMTOR2 protein. It affects a nucleotide within the consensus splice site. This variant is present in population databases (no rsID available, gnomAD 0.0009%). This variant has not been reported in the literature in individuals affected with LAMTOR2-related conditions. ClinVar contains an entry for this variant (Variation ID: 2904927). Variants that disrupt the consensus splice site are a relatively common cause of aberrant splicing (PMID: 17576681, 9536098). Algorithms developed to predict the effect of sequence changes on RNA splicing suggest that this variant may disrupt the consensus splice site. In summary, the available evidence is currently insufficient to determine the role of this variant in disease. Therefore, it has been classified as a Variant of Uncertain Significance.

Literature cited by the submitters: PubMed 17576681; PubMed 9536098.